The following is an entry in ClinVar:

NM_001710.6(CFB):c.2184G>A (p.Gln728=)

Gene: CFB (complement factor B; plus strand). Cytogenetic location: 6p21.33.
Variant type: single nucleotide variant.
Coding change: c.2184G>A on transcript NM_001710.6 (MANE Select); coding-DNA position 2184, G replaced by A.
Protein change: p.Gln728=; no amino-acid change (glutamine 728 retained).
Molecular consequence: synonymous variant.
Genome position (GRCh38, 1-based): chr6:31,951,919, G>A. VCF-style: chr6-31951919-G-A. GRCh37 (hg19) VCF-style: chr6-31919696-G-A.
Identifiers: ClinVar variation 2696905 (VCV002696905.3), dbSNP rs2482721310, ClinGen allele CA449689595.
Genomic context (GRCh38, chr6:31,951,919, plus strand): 5'-CCCACTGCCTCTGCAGGTTGGTGTAATCAGCTGGGGAGTAGTGGATGTCTGCAAAAACCA[G>A]AAGCGGCAAAAGCAGGTACCTGCTCACGCCCGAGACTTTCACATCAACCTCTTTCAAGTG-3'
Protein context (NP_001701.2, residues 718-738): SWGVVDVCKN[Gln728=]KRQKQVPAHA

ClinVar aggregate classification (germline): Uncertain significance (1 of 4 stars; one submission).

Submission:

Labcorp Genetics (formerly Invitae), Labcorp
Classification: Uncertain significance. Last evaluated: 2023-11-18. Review status: criteria provided, single submitter. Criteria: Invitae Variant Classification Sherloc (09022015). Collection method: clinical testing. Allele origin: germline.
Comment: This sequence change affects codon 728 of the CFB mRNA. It is a 'silent' change, meaning that it does not change the encoded amino acid sequence of the CFB protein. This variant is not present in population databases (gnomAD no frequency). This variant has not been reported in the literature in individuals affected with CFB-related conditions. Algorithms developed to predict the effect of sequence changes on RNA splicing suggest that this variant may disrupt the consensus splice site. In summary, the available evidence is currently insufficient to determine the role of this variant in disease. Therefore, it has been classified as a Variant of Uncertain Significance.